The following is an entry in ClinVar:

NM_177438.3(DICER1):c.2296C>A (p.Gln766Lys)

Gene: DICER1 (dicer 1, ribonuclease III; minus strand). Cytogenetic location: 14q32.13.
Variant type: single nucleotide variant.
Coding change: c.2296C>A on transcript NM_177438.3 (MANE Select); coding-DNA position 2296, C replaced by A.
Protein change: p.Gln766Lys; replaces glutamine 766 with lysine.
Molecular consequence: missense variant. On other transcripts: non-coding transcript variant (6).
Genome position (GRCh38, 1-based): chr14:95,108,464, G>T on the plus strand (C>A on the coding strand, the complement: DICER1 is on the minus strand). VCF-style: chr14-95108464-G-T. GRCh37 (hg19) VCF-style: chr14-95574801-G-T.
Other names: c.2296C>A, p.Gln766Lys (NM_001195573.1, NM_001271282.3, NM_001291628.2 and 13 more transcripts); c.2014C>A, p.Gln672Lys (NM_001395686.1); c.1891C>A, p.Gln631Lys (NM_001395687.1, NM_001395688.1, NM_001395689.1 and 2 more transcripts); c.1729C>A, p.Gln577Lys (NM_001395691.1); c.613C>A, p.Gln205Lys (NM_001395697.1); short protein forms Q205K, Q577K, Q631K, Q672K, Q766K.
Identifiers: ClinVar variation 2443112 (VCV002443112.2), dbSNP rs2140033430, ClinGen allele CA390882352.

ClinVar aggregate classification (germline): Uncertain significance (0 of 4 stars; one submission).

Submission:

Genetic Services Laboratory, University of Chicago
Classification: Uncertain significance. Last evaluated: 2022-07-12. Review status: no assertion criteria provided. Collection method: clinical testing. Allele origin: germline. Affected: no.
Comment: DNA sequence analysis of the DICER1 gene demonstrated a sequence change, c.2296C>A, in exon 15 that results in an amino acid change, p.Gln766Lys. This sequence change does not appear to have been previously described in individuals with DICER1-related disorders and has also not been described in population databases such as ExAC and gnomAD. The p.Gln766Lys change affects a highly conserved amino acid residue located in a domain of the DICER1 protein that is not known to be functional. In-silico pathogenicity prediction tools (SIFT, PolyPhen2, Align GVGD, REVEL) provide contradictory results for the p.Gln766Lys substitution. Due to insufficient evidences and the lack of functional studies, the clinical significance of the p.Gln766Lys change remains unknown at this time.